The following is an entry in ClinVar:

ClinVar aggregate classification (germline): Likely pathogenic (1 of 4 stars; one submission).

Submission:

GeneDx
Classification: Likely pathogenic. Last evaluated: 2017-11-20. Review status: criteria provided, single submitter. Criteria: GeneDx Variant Classification (06012015). Collection method: clinical testing. Allele origin: germline. Affected: yes.
Comment: The Q1348X variant has not been published as a pathogenic variant, nor has it been reported as a benign variant to our knowledge. The Q1348X variant is not observed in large population cohorts (Lek et al., 2016). The Q1348X variant is predicted to cause loss of normal protein function either through protein truncation or nonsense-mediated mRNA decay. Therefore, this variant is likely pathogenic; however, the possibility that it is benign cannot be excluded.

NM_025137.4(SPG11):c.4042C>T (p.Gln1348Ter)

Gene: SPG11 (SPG11 vesicle trafficking associated, spatacsin; minus strand). Cytogenetic location: 15q21.1.
Variant type: single nucleotide variant.
Coding change: c.4042C>T on transcript NM_025137.4 (MANE Select); coding-DNA position 4042, C replaced by T.
Protein change: p.Gln1348Ter; replaces glutamine 1348 with a stop codon.
Molecular consequence: nonsense.
Genome position (GRCh38, 1-based): chr15:44,596,903, G>A on the plus strand (C>T on the coding strand, the complement: SPG11 is on the minus strand). VCF-style: chr15-44596903-G-A. GRCh37 (hg19) VCF-style: chr15-44889101-G-A.
Other names: c.4042C>T, p.Gln1348Ter (NM_001160227.2); short protein forms Q1348*.
Identifiers: ClinVar variation 489116 (VCV000489116.2), dbSNP rs1555451152, ClinGen allele CA392229205.